The following is an entry in ClinVar:

NM_017565.4(FAM20A):c.719+1G>T

Gene: FAM20A (FAM20A golgi associated secretory pathway pseudokinase; minus strand). Cytogenetic location: 17q24.2.
Variant type: single nucleotide variant.
Coding change: c.719+1G>T on transcript NM_017565.4 (MANE Select); the canonical splice donor site of the intron after coding-DNA position 719, G replaced by T.
Molecular consequence: splice donor variant.
Genome position (GRCh38, 1-based): chr17:68,551,872, C>A on the plus strand (G>T on the coding strand, the complement: FAM20A is on the minus strand). VCF-style: chr17-68551872-C-A. GRCh37 (hg19) VCF-style: chr17-66548013-C-A.
Other names: c.305+1G>T (NM_001243746.2).
Identifiers: ClinVar variation 3667850 (VCV003667850.2).

ClinVar aggregate classification (germline): Pathogenic (1 of 4 stars; one submission).

gnomAD v4.1: 1 of 1,576,700 alleles (0.000063%); highest among the groups gnomAD compares: Non-Finnish European, 0.000086%; no homozygotes.

Submission:

Labcorp Genetics (formerly Invitae), Labcorp
Classification: Pathogenic. Last evaluated: 2024-07-09. Review status: criteria provided, single submitter. Criteria: Invitae Variant Classification Sherloc (09022015). Collection method: clinical testing. Allele origin: germline.
Comment: This sequence change affects a donor splice site in intron 4 of the FAM20A gene. It is expected to disrupt RNA splicing. Variants that disrupt the donor or acceptor splice site typically lead to a loss of protein function (PMID: 16199547), and loss-of-function variants in FAM20A are known to be pathogenic (PMID: 21990045, 23434854). This variant is not present in population databases (gnomAD no frequency). Disruption of this splice site has been observed in individual(s) with enamel-renal syndrome (PMID: 23434854). Algorithms developed to predict the effect of sequence changes on RNA splicing suggest that this variant may disrupt the consensus splice site. For these reasons, this variant has been classified as Pathogenic.

Literature cited by the submitters: PubMed 16199547; PubMed 21990045; PubMed 23434854.